The following is an entry in ClinVar:

NM_024408.4(NOTCH2):c.7217G>T (p.Gly2406Val)

Gene: NOTCH2 (notch receptor 2; minus strand). Cytogenetic location: 1p12.
Variant type: single nucleotide variant.
Coding change: c.7217G>T on transcript NM_024408.4 (MANE Select); coding-DNA position 7217, G replaced by T.
Protein change: p.Gly2406Val; replaces glycine 2406 with valine.
Molecular consequence: missense variant.
Genome position (GRCh38, 1-based): chr1:119,915,505, C>A on the plus strand (G>T on the coding strand, the complement: NOTCH2 is on the minus strand). VCF-style: chr1-119915505-C-A. GRCh37 (hg19) VCF-style: chr1-120458128-C-A.
Other names: short protein forms G2406V.
Identifiers: ClinVar variation 1998023 (VCV001998023.4), dbSNP rs761965953, ClinGen allele CA1039300.

ClinVar aggregate classification (germline): Uncertain significance (1 of 4 stars; one submission).

Conditions:
Hajdu-Cheney syndrome (HJCYS). Also called: Acroosteolysis dominant type; ACROOSTEOLYSIS WITH OSTEOPOROSIS AND CHANGES IN SKULL AND MANDIBLE; SERPENTINE FIBULA-POLYCYSTIC KIDNEY SYNDROME. Identifiers: Orphanet 955, MedGen C0917715, MONDO:0007057, OMIM 102500.

Allele frequency attached by ClinVar (database versions not stated): ExAC 0.00001; gnomAD exomes 0.00001; TOPMed 0.00001.
gnomAD v4.1: 3 of 1,614,082 alleles (0.00019%); highest among the groups gnomAD compares: South Asian, 0.0022%; no homozygotes.

Submission:

Labcorp Genetics (formerly Invitae), Labcorp
Classification: Uncertain significance for Hajdu-Cheney syndrome. Last evaluated: 2023-08-10. Review status: criteria provided, single submitter. Criteria: Invitae Variant Classification Sherloc (09022015). Collection method: clinical testing. Allele origin: germline.
Comment: Advanced modeling of protein sequence and biophysical properties (such as structural, functional, and spatial information, amino acid conservation, physicochemical variation, residue mobility, and thermodynamic stability) performed at Invitae indicates that this missense variant is not expected to disrupt NOTCH2 protein function. In summary, the available evidence is currently insufficient to determine the role of this variant in disease. Therefore, it has been classified as a Variant of Uncertain Significance. ClinVar contains an entry for this variant (Variation ID: 1998023). This sequence change replaces glycine, which is neutral and non-polar, with valine, which is neutral and non-polar, at codon 2406 of the NOTCH2 protein (p.Gly2406Val). This variant is present in population databases (rs761965953, gnomAD 0.007%). This variant has not been reported in the literature in individuals affected with NOTCH2-related conditions.